The following is an entry in ClinVar:

NM_182914.3(SYNE2):c.2351T>G (p.Met784Arg)

Gene: SYNE2 (spectrin repeat containing nuclear envelope protein 2; plus strand). Cytogenetic location: 14q23.2.
Variant type: single nucleotide variant.
Coding change: c.2351T>G on transcript NM_182914.3 (MANE Select); coding-DNA position 2351, T replaced by G.
Protein change: p.Met784Arg; replaces methionine 784 with arginine.
Molecular consequence: missense variant.
Genome position (GRCh38, 1-based): chr14:63,990,448, T>G. VCF-style: chr14-63990448-T-G. GRCh37 (hg19) VCF-style: chr14-64457166-T-G.
Other names: c.2351T>G, p.Met784Arg (NM_015180.6); short protein forms M784R.
Identifiers: ClinVar variation 2793313 (VCV002793313.3), dbSNP rs1211797991, ClinGen allele CA389973628.
Genomic context (GRCh38, chr14:63,990,448, plus strand): 5'-CTCACTTCAATTTGTTTTAATAGCATCTTATTGCCAAAGGCTCTATGTTTGATGAGCTTA[T>G]GGCAAGAAGTGAAGATATGTTACAAATGGATATACAAAATATTTCAAGCCAGGAGTCCTT-3'
Protein context (NP_878918.2, residues 774-794): IAKGSMFDEL[Met784Arg]ARSEDMLQMD

ClinVar aggregate classification (germline): Uncertain significance (1 of 4 stars; one submission).

Conditions:
Emery-Dreifuss muscular dystrophy 5, autosomal dominant (EDMD5). Also called: EMERY-DREIFUSS MUSCULAR DYSTROPHY 5. Identifiers: Orphanet 261, MedGen C2751805, MONDO:0013072, OMIM 612999.

Allele frequency attached by ClinVar (database versions not stated): gnomAD 0.00001.
gnomAD v4.1: 1 of 1,613,450 alleles (0.000062%); highest among the groups gnomAD compares: Non-Finnish European, 0.000085%; no homozygotes.

Submission:

Labcorp Genetics (formerly Invitae), Labcorp
Classification: Uncertain significance for Emery-Dreifuss muscular dystrophy 5, autosomal dominant. Last evaluated: 2022-12-09. Review status: criteria provided, single submitter. Criteria: Invitae Variant Classification Sherloc (09022015). Collection method: clinical testing. Allele origin: germline.
Comment: In summary, the available evidence is currently insufficient to determine the role of this variant in disease. Therefore, it has been classified as a Variant of Uncertain Significance. Algorithms developed to predict the effect of sequence changes on RNA splicing suggest that this variant may disrupt the consensus splice site. Algorithms developed to predict the effect of missense changes on protein structure and function are either unavailable or do not agree on the potential impact of this missense change (SIFT: "Deleterious"; PolyPhen-2: "Benign"; Align-GVGD: "Class C0"). This variant has not been reported in the literature in individuals affected with SYNE2-related conditions. This variant is not present in population databases (gnomAD no frequency). This sequence change replaces methionine, which is neutral and non-polar, with arginine, which is basic and polar, at codon 784 of the SYNE2 protein (p.Met784Arg).